The following is an entry in ClinVar:

NM_001429.4(EP300):c.6833T>C (p.Met2278Thr)

Gene: EP300 (EP300 lysine acetyltransferase; plus strand). Cytogenetic location: 22q13.2.
Variant type: single nucleotide variant.
Coding change: c.6833T>C on transcript NM_001429.4 (MANE Select); coding-DNA position 6833, T replaced by C.
Protein change: p.Met2278Thr; replaces methionine 2278 with threonine.
Molecular consequence: missense variant.
Genome position (GRCh38, 1-based): chr22:41,178,544, T>C. VCF-style: chr22-41178544-T-C. GRCh37 (hg19) VCF-style: chr22-41574548-T-C.
Other names: c.6755T>C, p.Met2252Thr (NM_001362843.2); short protein forms M2252T, M2278T.
Identifiers: ClinVar variation 2505716 (VCV002505716.2), dbSNP rs2517835551, ClinGen allele CA411682839.

ClinVar aggregate classification (germline): Uncertain significance. Review status: criteria provided, multiple submitters, no conflicts (2 of 4 stars). 2 submissions from 2 submitters: Uncertain significance (2). Last evaluated 2023-06-28.

Submissions (2):

Blueprint Genetics
Classification: Uncertain significance. Last evaluated: 2023-06-28. Review status: criteria provided, single submitter. Criteria: ACMG Guidelines, 2015. Collection method: clinical testing. Allele origin: germline.

GeneDx
Classification: Uncertain significance. Last evaluated: 2022-12-13. Review status: criteria provided, single submitter. Criteria: GeneDx Variant Classification Process June 2021. Collection method: clinical testing. Allele origin: germline. Affected: yes.
Comment: Not observed at significant frequency in large population cohorts (gnomAD); In silico analysis supports that this missense variant has a deleterious effect on protein structure/function; Has not been previously published as pathogenic or benign to our knowledge